The following is an entry in ClinVar:

NM_000310.4(PPT1):c.537-3C>T

Gene: PPT1 (palmitoyl-protein thioesterase 1; minus strand). Cytogenetic location: 1p34.2.
Variant type: single nucleotide variant.
Coding change: c.537-3C>T on transcript NM_000310.4 (MANE Select); 3 bases into the intron before coding-DNA position 537, C replaced by T.
Molecular consequence: intron variant.
Genome position (GRCh38, 1-based): chr1:40,080,490, G>A on the plus strand (C>T on the coding strand, the complement: PPT1 is on the minus strand). VCF-style: chr1-40080490-G-A. GRCh37 (hg19) VCF-style: chr1-40546162-G-A.
Other names: c.228-3C>T (NM_001142604.2); c.537-3C>T (NM_001363695.2).
Identifiers: ClinVar variation 2099906 (VCV002099906.4), dbSNP rs2523642844, ClinGen allele CA2580062743.

ClinVar aggregate classification (germline): Uncertain significance (1 of 4 stars; one submission).

Conditions:
Neuronal ceroid lipofuscinosis 1 (CLN1). Also called: PPT1-Related Neuronal Ceroid-Lipofuscinosis; CEROID LIPOFUSCINOSIS, NEURONAL, 1, VARIABLE AGE AT ONSET. Identifiers: Orphanet 228329, MedGen C1850451, MONDO:0009744, OMIM 256730.

Submission:

Labcorp Genetics (formerly Invitae), Labcorp
Classification: Uncertain significance for Neuronal ceroid lipofuscinosis 1. Last evaluated: 2022-11-03. Review status: criteria provided, single submitter. Criteria: Invitae Variant Classification Sherloc (09022015). Collection method: clinical testing. Allele origin: germline.
Comment: This sequence change falls in intron 5 of the PPT1 gene. It does not directly change the encoded amino acid sequence of the PPT1 protein. It affects a nucleotide within the consensus splice site. In summary, the available evidence is currently insufficient to determine the role of this variant in disease. Therefore, it has been classified as a Variant of Uncertain Significance. This variant is not present in population databases (gnomAD no frequency). This variant has not been reported in the literature in individuals affected with PPT1-related conditions. Variants that disrupt the consensus splice site are a relatively common cause of aberrant splicing (PMID: 17576681, 9536098). Algorithms developed to predict the effect of sequence changes on RNA splicing suggest that this variant is not likely to affect RNA splicing.

Literature cited by the submitters: PubMed 17576681; PubMed 9536098.